The following is an entry in ClinVar:

NM_133372.3(FNIP1):c.2702C>A (p.Pro901His)

Gene: FNIP1 (folliculin interacting protein 1; minus strand). Cytogenetic location: 5q31.1.
Variant type: single nucleotide variant.
Coding change: c.2702C>A on transcript NM_133372.3 (MANE Select); coding-DNA position 2702, C replaced by A.
Protein change: p.Pro901His; replaces proline 901 with histidine.
Molecular consequence: missense variant.
Genome position (GRCh38, 1-based): chr5:131,671,742, G>T on the plus strand (C>A on the coding strand, the complement: FNIP1 is on the minus strand). VCF-style: chr5-131671742-G-T. GRCh37 (hg19) VCF-style: chr5-131007435-G-T.
Other names: c.2618C>A, p.Pro873His (NM_001008738.3); c.2567C>A, p.Pro856His (NM_001346114.2); short protein forms P901H, P873H, P856H.
Identifiers: ClinVar variation 3716208 (VCV003716208.1).

ClinVar aggregate classification (germline): Uncertain significance (1 of 4 stars; one submission).

gnomAD v4.1: 136 of 1,613,964 alleles (0.0084%); highest among the groups gnomAD compares: Non-Finnish European, 0.0095%; no homozygotes.

Submission:

Labcorp Genetics (formerly Invitae), Labcorp
Classification: Uncertain significance. Last evaluated: 2025-01-11. Review status: criteria provided, single submitter. Criteria: Invitae Variant Classification Sherloc (09022015). Collection method: clinical testing. Allele origin: germline.
Comment: This sequence change replaces proline, which is neutral and non-polar, with histidine, which is basic and polar, at codon 901 of the FNIP1 protein (p.Pro901His). This variant is present in population databases (rs139060439, gnomAD 0.02%). This variant has not been reported in the literature in individuals affected with FNIP1-related conditions. An algorithm developed to predict the effect of missense changes on protein structure and function (PolyPhen-2) suggests that this variant is likely to be disruptive. In summary, the available evidence is currently insufficient to determine the role of this variant in disease. Therefore, it has been classified as a Variant of Uncertain Significance.